The following is an entry in ClinVar:

NM_001136139.4(TCF3):c.1746G>T (p.Ala582=)

Gene: TCF3 (transcription factor 3; minus strand). Cytogenetic location: 19p13.3.
Variant type: single nucleotide variant.
Coding change: c.1746G>T on transcript NM_001136139.4 (MANE Plus Clinical); coding-DNA position 1746, G replaced by T.
Protein change: p.Ala582=; no amino-acid change (alanine 582 retained).
Molecular consequence: synonymous variant. On other transcripts: intron variant (2).
Genome position (GRCh38, 1-based): chr19:1,612,274, C>A on the plus strand (G>T on the coding strand, the complement: TCF3 is on the minus strand). VCF-style: chr19-1612274-C-A. GRCh37 (hg19) VCF-style: chr19-1612273-C-A.
Other names: c.1746G>T (NM_001351779.1); c.1746G>T, p.Ala582= (NM_001351779.2); c.1820-425G>T (NM_001351778.2); c.1823-425G>T (NM_003200.5).
Identifiers: ClinVar variation 1629891 (VCV001629891.13), dbSNP rs372813564, ClinGen allele CA9049566.
Genomic context (GRCh38, chr19:1,612,274, plus strand): 5'-CTGCTGCTCCAGCCCCAGGATGACCTGCACGGCCTGCTGCAGGATGAGCAGCTTGGTCTG[C>A]GCTTTGTCCGACTTGAGGTGCATCTGGCACATGCGCCCCAGCTCCCGGAAGGCCTCGTTA-3'
Protein context (NP_001129611.1, residues 572-592): MCQMHLKSDK[Ala582=]QTKLLILQQA

ClinVar aggregate classification (germline): Likely benign. Review status: criteria provided, multiple submitters, no conflicts (2 of 4 stars). 4 submissions from 4 submitters: Likely benign (3). 1 of the submissions does not count toward it. Last evaluated 2026-05-01.

Conditions:
TCF3-related disorder. Also called: TCF3-related condition.

Allele frequency attached by ClinVar (database versions not stated): ESP Exome Variant Server 0.00010; 1000 Genomes Project 30x 0.00016; 1000 Genomes Project 0.00020.
gnomAD v4.1: 193 of 1,613,024 alleles (0.012%); highest among the groups gnomAD compares: Non-Finnish European, 0.014%; no homozygotes.

Submissions (4):

CeGaT Center for Human Genetics Tuebingen
Classification: Likely benign. Last evaluated: 2026-05-01. Review status: criteria provided, single submitter. Criteria: CeGaT Center For Human Genetics Tuebingen Variant Classification Criteria Version 2. Collection method: clinical testing. Allele origin: germline. Affected: yes. Observed: 1 variant allele.
Comment: TCF3: BP4, BP7

Labcorp Genetics (formerly Invitae), Labcorp
Classification: Likely benign. Last evaluated: 2025-10-03. Review status: criteria provided, single submitter. Criteria: Invitae Variant Classification Sherloc (09022015). Collection method: clinical testing. Allele origin: germline.

Blueprint Genetics
Classification: Likely benign. Last evaluated: 2024-11-08. Review status: criteria provided, single submitter. Criteria: ACMG Guidelines, 2015. Collection method: clinical testing. Allele origin: germline.

PreventionGenetics, part of Exact Sciences
Classification: Likely benign for TCF3-related condition. Last evaluated: 2019-08-09. Review status: no assertion criteria provided. Collection method: clinical testing. Allele origin: germline. Not counted in ClinVar's aggregate classification.
Comment: This variant is classified as likely benign based on ACMG/AMP sequence variant interpretation guidelines (Richards et al. 2015 PMID: 25741868, with internal and published modifications).